The following is an entry in ClinVar:

ClinVar aggregate classification (germline): Benign (1 of 4 stars; one submission).

Allele frequency attached by ClinVar (database versions not stated): ESP Exome Variant Server 0.02954; gnomAD 0.04673 and 0.04858; gnomAD exomes 0.05202 and 0.08279; TOPMed 0.05815; 1000 Genomes Project 0.07049; 1000 Genomes Project 30x 0.07058; ExAC 0.07399.

Submissions (16):

GeneDx
Classification: Benign. Last evaluated: 2021-06-09. Review status: criteria provided, single submitter. Criteria: GeneDx Variant Classification Process June 2021. Collection method: clinical testing. Allele origin: germline. Affected: yes.
Comment: This variant is associated with the following publications: (PMID: 27027322, 21692888)

Dr. Peter K. Rogan Lab, Western University
No classification provided (evidence only). Condition: Acute myeloid leukemia. Review status: no classification provided. Collection method: in vitro. Allele origin: not applicable. Functional consequence: retained intron. Not counted in ClinVar's aggregate classification.

Dr. Peter K. Rogan Lab, Western University
No classification provided (evidence only). Condition: Acute myeloid leukemia. Review status: no classification provided. Collection method: in vitro. Allele origin: not applicable. Functional consequence: retained intron. Not counted in ClinVar's aggregate classification.

Dr. Peter K. Rogan Lab, Western University
No classification provided (evidence only). Condition: Acute myeloid leukemia. Review status: no classification provided. Collection method: in vitro. Allele origin: not applicable. Functional consequence: retained intron. Not counted in ClinVar's aggregate classification.

Dr. Peter K. Rogan Lab, Western University
No classification provided (evidence only). Condition: Acute myeloid leukemia. Review status: no classification provided. Collection method: in vitro. Allele origin: not applicable. Functional consequence: retained intron. Not counted in ClinVar's aggregate classification.

Dr. Peter K. Rogan Lab, Western University
No classification provided (evidence only). Condition: Uterine corpus endometrial carcinoma. Review status: no classification provided. Collection method: in vitro. Allele origin: not applicable. Functional consequence: retained intron. Not counted in ClinVar's aggregate classification.

Dr. Peter K. Rogan Lab, Western University
No classification provided (evidence only). Condition: Sarcoma. Review status: no classification provided. Collection method: in vitro. Allele origin: not applicable. Functional consequence: retained intron. Not counted in ClinVar's aggregate classification.

Dr. Peter K. Rogan Lab, Western University
No classification provided (evidence only). Condition: Sarcoma. Review status: no classification provided. Collection method: in vitro. Allele origin: not applicable. Functional consequence: retained intron. Not counted in ClinVar's aggregate classification.

Dr. Peter K. Rogan Lab, Western University
No classification provided (evidence only). Condition: Sarcoma. Review status: no classification provided. Collection method: in vitro. Allele origin: not applicable. Functional consequence: retained intron. Not counted in ClinVar's aggregate classification.

Dr. Peter K. Rogan Lab, Western University
No classification provided (evidence only). Condition: Nonpapillary renal cell carcinoma. Review status: no classification provided. Collection method: in vitro. Allele origin: not applicable. Functional consequence: retained intron. Not counted in ClinVar's aggregate classification.

Dr. Peter K. Rogan Lab, Western University
No classification provided (evidence only). Condition: Nonpapillary renal cell carcinoma. Review status: no classification provided. Collection method: in vitro. Allele origin: not applicable. Functional consequence: retained intron. Not counted in ClinVar's aggregate classification.

Dr. Peter K. Rogan Lab, Western University
No classification provided (evidence only). Condition: Thymoma. Review status: no classification provided. Collection method: in vitro. Allele origin: not applicable. Functional consequence: retained intron. Not counted in ClinVar's aggregate classification.

Dr. Peter K. Rogan Lab, Western University
No classification provided (evidence only). Condition: Cholangiocarcinoma. Review status: no classification provided. Collection method: in vitro. Allele origin: not applicable. Functional consequence: retained intron. Not counted in ClinVar's aggregate classification.

Dr. Peter K. Rogan Lab, Western University
No classification provided (evidence only). Condition: Adrenocortical carcinoma, hereditary. Review status: no classification provided. Collection method: in vitro. Allele origin: not applicable. Functional consequence: retained intron. Not counted in ClinVar's aggregate classification.

Dr. Peter K. Rogan Lab, Western University
No classification provided (evidence only). Condition: Uveal melanoma. Review status: no classification provided. Collection method: in vitro. Allele origin: not applicable. Functional consequence: retained intron. Not counted in ClinVar's aggregate classification.

Dr. Peter K. Rogan Lab, Western University
No classification provided (evidence only). Condition: Uveal melanoma. Review status: no classification provided. Collection method: in vitro. Allele origin: not applicable. Functional consequence: retained intron. Not counted in ClinVar's aggregate classification.

NM_133263.4(PPARGC1B):c.794G>A (p.Arg265Gln)

Gene: PPARGC1B (PPARG coactivator 1 beta; plus strand). Cytogenetic location: 5q32.
Variant type: single nucleotide variant.
Coding change: c.794G>A on transcript NM_133263.4 (MANE Select); coding-DNA position 794, G replaced by A.
Protein change: p.Arg265Gln; replaces arginine 265 with glutamine.
Molecular consequence: missense variant.
Genome position (GRCh38, 1-based): chr5:149,832,867, G>A. VCF-style: chr5-149832867-G-A. GRCh37 (hg19) VCF-style: chr5-149212430-G-A.
Other names: NC_000005.9:g.149212430G>A; c.677G>A, p.Arg226Gln (NM_001172698.2); c.602G>A, p.Arg201Gln (NM_001172699.2); short protein forms R201Q, R226Q, R265Q.
Identifiers: ClinVar variation 1238021 (VCV001238021.4), dbSNP rs45520937, ClinGen allele CA3503532.
Genomic context (GRCh38, chr5:149,832,867, plus strand): 5'-AGGAGGACAAGGAGCCGGGTGAGGACTGCCCGAGCCCCCAGCCAGCTCCAGCCTCTCCCC[G>A]GGACTCCCTAGCTCTGGGCAGGGCAGACCCCGGTGCCCCGGTTTCCCAGGAAGACATGCA-3'
Protein context (NP_573570.3, residues 255-275): PSPQPAPASP[Arg265Gln]DSLALGRADP